The following is an entry in ClinVar:

NM_001614.5(ACTG1):c.984+8G>A

Gene: ACTG1 (actin gamma 1; minus strand). Cytogenetic location: 17q25.3.
Variant type: single nucleotide variant.
Coding change: c.984+8G>A on transcript NM_001614.5 (MANE Select); 8 bases into the intron after coding-DNA position 984, G replaced by A.
Molecular consequence: intron variant.
Genome position (GRCh38, 1-based): chr17:81,510,919, C>T on the plus strand (G>A on the coding strand, the complement: ACTG1 is on the minus strand). VCF-style: chr17-81510919-C-T. GRCh37 (hg19) VCF-style: chr17-79477945-C-T.
Other names: c.984+8G>A (NM_001614.3, NM_001199954.3).
Identifiers: ClinVar variation 2069516 (VCV002069516.6), dbSNP rs1358455180, ClinGen allele CA628022572.

ClinVar aggregate classification (germline): Likely benign. Review status: criteria provided, single submitter (1 of 4 stars). 2 submissions from 2 submitters: Likely benign (1). 1 of the submissions does not count toward it. Last evaluated 2025-02-10.

Conditions:
ACTG1-related disorder. Also called: ACTG1-related condition; ACTG1-related disorders.
Autosomal dominant nonsyndromic hearing loss 20. Identifiers: Orphanet 90635, MedGen C1858172, MONDO:0011480, OMIM 604717.
Baraitser-winter syndrome 2. Identifiers: Orphanet 2995, MedGen C3281235, MONDO:0013812, OMIM 614583.

Allele frequency attached by ClinVar (database versions not stated): gnomAD exomes 0.00001; TOPMed 0.00002; gnomAD 0.00003.
gnomAD v4.1: 22 of 1,613,880 alleles (0.0014%); highest among the groups gnomAD compares: East Asian, 0.0045%; no homozygotes.

Submissions (2):

Labcorp Genetics (formerly Invitae), Labcorp
Classification: Likely benign for Baraitser-winter syndrome 2; Autosomal dominant nonsyndromic hearing loss 20. Last evaluated: 2025-02-10. Review status: criteria provided, single submitter. Criteria: Invitae Variant Classification Sherloc (09022015). Collection method: clinical testing. Allele origin: germline.

PreventionGenetics, part of Exact Sciences
Classification: Likely benign for ACTG1-related condition. Last evaluated: 2023-08-08. Review status: no assertion criteria provided. Collection method: clinical testing. Allele origin: germline. Not counted in ClinVar's aggregate classification.
Comment: This variant is classified as likely benign based on ACMG/AMP sequence variant interpretation guidelines (Richards et al. 2015 PMID: 25741868, with internal and published modifications).